The following is an entry in ClinVar:

ClinVar aggregate classification (germline): Uncertain significance (1 of 4 stars; one submission).

Conditions:
Polyglandular autoimmune syndrome, type 1 (APS1). Also called: Autoimmune polyendocrine syndrome type 1; Autoimmune polyendocrinopathy syndrome , type I, with or without reversible metaphyseal dysplasia; PGA I; Autoimmune polyendocrinopathy syndrome, type I; APS I; HYPOADRENOCORTICISM WITH HYPOPARATHYROIDISM AND SUPERFICIAL MONILIASIS. Identifiers: Orphanet 3453, MedGen C0085859, MONDO:0009411, OMIM 240300.

Submission:

Labcorp Genetics (formerly Invitae), Labcorp
Classification: Uncertain significance for Polyglandular autoimmune syndrome, type 1. Last evaluated: 2022-05-21. Review status: criteria provided, single submitter. Criteria: Invitae Variant Classification Sherloc (09022015). Collection method: clinical testing. Allele origin: germline.
Comment: This sequence change replaces aspartic acid, which is acidic and polar, with histidine, which is basic and polar, at codon 238 of the AIRE protein (p.Asp238His). This variant is not present in population databases (gnomAD no frequency). In summary, the available evidence is currently insufficient to determine the role of this variant in disease. Therefore, it has been classified as a Variant of Uncertain Significance. Algorithms developed to predict the effect of missense changes on protein structure and function (SIFT, PolyPhen-2, Align-GVGD) all suggest that this variant is likely to be disruptive. This variant has not been reported in the literature in individuals affected with AIRE-related conditions.

NM_000383.4(AIRE):c.712G>C (p.Asp238His)

Gene: AIRE (autoimmune regulator; plus strand). Cytogenetic location: 21q22.3.
Variant type: single nucleotide variant.
Coding change: c.712G>C on transcript NM_000383.4 (MANE Select); coding-DNA position 712, G replaced by C.
Protein change: p.Asp238His; replaces aspartic acid 238 with histidine.
Molecular consequence: missense variant.
Genome position (GRCh38, 1-based): chr21:44,289,716, G>C. VCF-style: chr21-44289716-G-C. GRCh37 (hg19) VCF-style: chr21-45709599-G-C.
Other names: short protein forms D238H.
Identifiers: ClinVar variation 1997465 (VCV001997465.4), dbSNP rs1601966589, ClinGen allele CA410424425.